The following is an entry in ClinVar:

NM_020975.6(RET):c.2508C>T (p.Ser836=)

Gene: RET (ret proto-oncogene; plus strand). Cytogenetic location: 10q11.21.
Variant type: single nucleotide variant.
Coding change: c.2508C>T on transcript NM_020975.6 (MANE Select); coding-DNA position 2508, C replaced by T.
Protein change: p.Ser836=; no amino-acid change (serine 836 retained).
Molecular consequence: synonymous variant.
Genome position (GRCh38, 1-based): chr10:43,119,646, C>T. VCF-style: chr10-43119646-C-T. GRCh37 (hg19) VCF-style: chr10-43615094-C-T.
Other names: p.S836S:AGC>AGT; p.Ser836=; c.2508C>T, p.Ser836= (NM_000323.2, NM_001406743.1, NM_001406744.1 and 4 more transcripts); c.1746C>T, p.Ser582= (NM_001355216.2); c.2379C>T, p.Ser793= (NM_001406761.1, NM_001406762.1, NM_001406764.1); c.2373C>T, p.Ser791= (NM_001406763.1, NM_001406765.1); c.2220C>T, p.Ser740= (NM_001406766.1, NM_001406767.1, NM_001406770.1); c.2244C>T, p.Ser748= (NM_001406768.1); and 12 more.
Identifiers: ClinVar variation 24946 (VCV000024946.57), dbSNP rs1800862, ClinGen allele CA008829.
Genomic context (GRCh38, chr10:43,119,646, plus strand): 5'-CCGCGAGAGCCGCAAAGTGGGGCCTGGCTACCTGGGCAGTGGAGGCAGCCGCAACTCCAG[C>T]TCCCTGGACCACCCGGATGAGCGGGCCCTCACCATGGGCGACCTCATCTCATTTGCCTGG-3'
Protein context (NP_066124.1, residues 826-846): YLGSGGSRNS[Ser836=]SLDHPDERAL

ClinVar aggregate classification (germline): Benign/Likely benign. Review status: criteria provided, multiple submitters, no conflicts (2 of 4 stars). 27 submissions from 23 submitters: Benign (17); Likely benign (5). 5 of the submissions do not count toward it. Last evaluated 2026-02-04.

Conditions:
Hereditary cancer-predisposing syndrome. Also called: Neoplastic Syndromes, Hereditary; Tumor predisposition; Hereditary neoplastic syndrome; Hereditary Cancer Syndrome. Identifiers: Orphanet 140162, MedGen C0027672, MeSH D009386, MONDO:0015356.
Multiple endocrine neoplasia. Identifiers: Orphanet 276161, MedGen C0027662, MONDO:0017169.
Multiple endocrine neoplasia type 2A. Also called: MULTIPLE ENDOCRINE NEOPLASIA, TYPE IIA; PTC SYNDROME; SIPPLE SYNDROME; MEN 2A; MEN-2A syndrome; Pheochromocytoma and amyloid producing medullary thyroid carcinoma. Identifiers: Orphanet 247698, Orphanet 653, MedGen C0025268, MeSH D018813, MONDO:0008234, OMIM 171400.
Familial medullary thyroid carcinoma (MTC). Also called: Thyroid cancer, familial medullary; MTC, familial; Familial Medullary Thyroid Carcinoma (FMTC). Identifiers: Orphanet 653, Orphanet 99361, MedGen C1833921, MONDO:0007958, OMIM 155240.
Multiple endocrine neoplasia type 2B. Also called: MEN 2B; Multiple endocrine neoplasia, type 3; MULTIPLE ENDOCRINE NEOPLASIA, TYPE IIB; MUCOSAL NEUROMA SYNDROME; NEUROMATA, MUCOSAL, WITH ENDOCRINE TUMORS; WAGENMANN-FROBOESE SYNDROME. Identifiers: Orphanet 247709, Orphanet 653, MedGen C0025269, MeSH D018814, MONDO:0008082, OMIM 162300.
Multiple endocrine neoplasia, type 2 (MEN2). Identifiers: Orphanet 653, MedGen C4048306, MONDO:0019003. Disease mechanism: gain of function.
Hirschsprung disease, susceptibility to, 1 (HSCR1). Also called: RET-Related Hirschsprung Disease. Identifiers: Orphanet 388, MedGen C3888239, MONDO:0007723, OMIM 142623.
Pheochromocytoma. Also called: MAX-Related Hereditary Paraganglioma-Pheochromocytoma Syndrome. Identifiers: Orphanet 29072, MedGen C0031511, MONDO:0008233, OMIM 171300, HP:0002666.
Renal hypodysplasia/aplasia 1 (RHDA1). Also called: RENAL APLASIA; HEREDITARY RENAL APLASIA. Identifiers: Orphanet 411709, MedGen C1619700, MONDO:0024519, OMIM 191830.

Allele frequency attached by ClinVar (database versions not stated): gnomAD 0.03874 and 0.03791; ESP Exome Variant Server 0.04245; gnomAD exomes 0.04915 and 0.04495; ExAC 0.04666; 1000 Genomes Project 0.03594; 1000 Genomes Project 30x 0.03607; TOPMed 0.03807.
gnomAD v4.1: 77,657 of 1,613,264 alleles (4.8%); highest among the groups gnomAD compares: South Asian, 9.5%; 2,255 homozygotes.

Submissions (27):

Labcorp Genetics (formerly Invitae), Labcorp
Classification: Benign for Multiple endocrine neoplasia, type 2. Last evaluated: 2026-02-04. Review status: criteria provided, single submitter. Criteria: Invitae Variant Classification Sherloc (09022015). Collection method: clinical testing. Allele origin: germline.

Center for Genomic Medicine, Rigshospitalet, Copenhagen University Hospital
Classification: Benign. Last evaluated: 2025-03-04. Review status: criteria provided, single submitter. Criteria: ACMG Guidelines, 2015. Collection method: clinical testing. Allele origin: germline.

Myriad Genetics, Inc.
Classification: Benign for Multiple endocrine neoplasia type 2A. Last evaluated: 2025-02-27. Review status: criteria provided, single submitter. Criteria: Myriad Autosomal Dominant, Autosomal Recessive and X-Linked Classification Criteria (2023). Collection method: clinical testing. Allele origin: unknown.
Comment: This variant is considered benign. This variant is a silent/synonymous amino acid change and it is not expected to impact splicing.

KCCC/NGS Laboratory, Kuwait Cancer Control Center
Classification: Benign for Pheochromocytoma. Last evaluated: 2025-02-01. Review status: criteria provided, single submitter. Criteria: ACMG Guidelines, 2015. Collection method: clinical testing. Allele origin: germline. Affected: no.

Blueprint Genetics
Classification: Benign. Last evaluated: 2024-11-27. Review status: criteria provided, single submitter. Criteria: ACMG Guidelines, 2015. Collection method: clinical testing. Allele origin: germline.

KCCC/NGS Laboratory, Kuwait Cancer Control Center
Classification: Benign for Multiple endocrine neoplasia type 2B. Last evaluated: 2023-07-07. Review status: criteria provided, single submitter. Criteria: ACMG Guidelines, 2015. Collection method: clinical testing. Allele origin: germline. Affected: yes.

Department of Pathology and Laboratory Medicine, Sinai Health System
Classification: Benign for Familial medullary thyroid carcinoma; Multiple endocrine neoplasia type 2B; Multiple endocrine neoplasia type 2A. Last evaluated: 2022-07-04. Review status: criteria provided, single submitter. Criteria: ACMG Guidelines, 2015. Collection method: clinical testing. Allele origin: germline. Affected: yes.

ARUP Laboratories, Molecular Genetics and Genomics, ARUP Laboratories
Classification: Benign. Last evaluated: 2020-12-18. Review status: criteria provided, single submitter. Criteria: ARUP Molecular Germline Variant Investigation Process 2021. Collection method: clinical testing. Allele origin: germline.

Ambry Genetics
Classification: Benign for Hereditary cancer-predisposing syndrome. Last evaluated: 2019-05-07. Review status: criteria provided, single submitter. Criteria: Ambry Variant Classification Scheme 2023. Collection method: clinical testing. Allele origin: germline.

Color Diagnostics, LLC DBA Color Health
Classification: Benign for Multiple endocrine neoplasia, type 2. Last evaluated: 2019-03-28. Review status: criteria provided, single submitter. Criteria: ACMG Guidelines, 2015. Collection method: clinical testing. Allele origin: germline.

Mayo Clinic Laboratories, Mayo Clinic
Classification: Benign. Last evaluated: 2019-01-09. Review status: criteria provided, single submitter. Criteria: ACMG Guidelines, 2015. Collection method: clinical testing. Allele origin: germline. Observed: 134 variant alleles.

Athena Diagnostics
Classification: Benign. Last evaluated: 2018-05-11. Review status: criteria provided, single submitter. Criteria: Athena Diagnostics Criteria. Collection method: clinical testing. Allele origin: germline.

Illumina Laboratory Services, Illumina
Classification: Likely benign for Pheochromocytoma. Last evaluated: 2017-04-27. Review status: criteria provided, single submitter. Criteria: ICSL Variant Classification Criteria 13 December 2019. Collection method: clinical testing. Allele origin: germline.
Comment: This variant was observed as part of a predisposition screen in an ostensibly healthy population. A literature search was performed for the gene, cDNA change, and amino acid change (where applicable). No publications were found based on this search. Allele frequency data from public databases allowed determination this variant is unlikely to cause disease. Therefore, this variant is classified as likely benign.

Illumina Laboratory Services, Illumina
Classification: Likely benign for Renal hypodysplasia/aplasia 1. Last evaluated: 2017-04-27. Review status: criteria provided, single submitter. Criteria: ICSL Variant Classification Criteria 13 December 2019. Collection method: clinical testing. Allele origin: germline.
Comment: the same text as in the submission from Illumina Laboratory Services, Illumina above.

Illumina Laboratory Services, Illumina
Classification: Likely benign for Hirschsprung disease, susceptibility to, 1. Last evaluated: 2017-04-27. Review status: criteria provided, single submitter. Criteria: ICSL Variant Classification Criteria 13 December 2019. Collection method: clinical testing. Allele origin: germline.
Comment: the same text as in the submission from Illumina Laboratory Services, Illumina above.

Illumina Laboratory Services, Illumina
Classification: Likely benign for Multiple endocrine neoplasia. Last evaluated: 2017-04-27. Review status: criteria provided, single submitter. Criteria: ICSL Variant Classification Criteria 13 December 2019. Collection method: clinical testing. Allele origin: germline.
Comment: the same text as in the submission from Illumina Laboratory Services, Illumina above.

GeneDx
Classification: Benign. Last evaluated: 2016-10-31. Review status: criteria provided, single submitter. Criteria: GeneDx Variant Classification (06012015). Collection method: clinical testing. Allele origin: germline. Affected: yes.
Comment: This variant is considered likely benign or benign based on one or more of the following criteria: it is a conservative change, it occurs at a poorly conserved position in the protein, it is predicted to be benign by multiple in silico algorithms, and/or has population frequency not consistent with disease.

Eurofins Ntd Llc (ga)
Classification: Benign. Last evaluated: 2015-05-06. Review status: criteria provided, single submitter. Criteria: EGL Classification Definitions 2015. Collection method: clinical testing. Allele origin: germline. Observed: 6 variant alleles, 6 heterozygotes.

Genomic Diagnostic Laboratory, Division of Genomic Diagnostics, Children's Hospital of Philadelphia
Classification: Benign for Multiple endocrine neoplasia. Last evaluated: 2015-02-19. Review status: criteria provided, single submitter. Criteria: DGD Variant Analysis Guidelines. Collection method: clinical testing. Allele origin: unknown.

Laboratory for Molecular Medicine, Mass General Brigham Personalized Medicine
Classification: Benign. Last evaluated: 2014-02-06. Review status: criteria provided, single submitter. Criteria: LMM Criteria. Collection method: clinical testing. Allele origin: germline. Observed: 8 variant alleles.

Breakthrough Genomics
Classification: Likely benign. Review status: criteria provided, single submitter. Criteria: ACMG Guidelines, 2015. Collection method: not provided. Allele origin: germline. Inheritance: Autosomal dominant inheritance. Affected: yes.

PreventionGenetics, part of Exact Sciences
Classification: Benign. Review status: criteria provided, single submitter. Criteria: ACMG Guidelines, 2015. Collection method: clinical testing. Allele origin: germline.

Clinical Genetics DNA and cytogenetics Diagnostics Lab, Erasmus MC, Erasmus Medical Center
Classification: Benign. Review status: no assertion criteria provided. Collection method: clinical testing. Allele origin: germline. Affected: yes. Study: VKGL Data-share Consensus. Not counted in ClinVar's aggregate classification.

Diagnostic Laboratory, Department of Genetics, University Medical Center Groningen
Classification: Benign. Review status: no assertion criteria provided. Collection method: clinical testing. Allele origin: germline. Affected: yes. Study: VKGL Data-share Consensus. Not counted in ClinVar's aggregate classification.

Genome Diagnostics Laboratory, University Medical Center Utrecht
Classification: Benign. Review status: no assertion criteria provided. Collection method: clinical testing. Allele origin: germline. Affected: yes. Study: VKGL Data-share Consensus. Not counted in ClinVar's aggregate classification.

Joint Genome Diagnostic Labs from Nijmegen and Maastricht, Radboudumc and MUMC+
Classification: Benign. Review status: no assertion criteria provided. Collection method: clinical testing. Allele origin: germline. Affected: yes. Study: VKGL Data-share Consensus. Not counted in ClinVar's aggregate classification.

Laboratory of Diagnostic Genome Analysis, Leiden University Medical Center (LUMC)
Classification: Benign. Review status: no assertion criteria provided. Collection method: clinical testing. Allele origin: germline. Affected: yes. Study: VKGL Data-share Consensus. Not counted in ClinVar's aggregate classification.

Literature cited by the submitters: PubMed 12214285 (cited by Athena Diagnostics); PubMed 11589684 (cited by Athena Diagnostics); PubMed 16118333 (cited by Athena Diagnostics); PubMed 10980580 (cited by Athena Diagnostics); PubMed 15933516 (cited by Athena Diagnostics); PubMed 22111543 (cited by Athena Diagnostics and Laboratory for Molecular Medicine, Mass General Brigham Personalized Medicine); PubMed 23527089 (cited by Athena Diagnostics); PubMed 20801952 (cited by Athena Diagnostics); PubMed 23059849 (cited by Laboratory for Molecular Medicine, Mass General Brigham Personalized Medicine).